The following is an entry in ClinVar:

NM_001080770.2(KIR2DL4):c.453C>A (p.Ser151=)

Gene: KIR2DL4 (killer cell immunoglobulin like receptor, two Ig domains and long cytoplasmic tail 4). Cytogenetic location: 19q13.42.
Variant type: single nucleotide variant.
Coding change: c.453C>A on transcript NM_001080770.2 (MANE Select); coding-DNA position 453, C replaced by A.
Protein change: p.Ser151=; no amino-acid change (serine 151 retained).
Molecular consequence: synonymous variant.
Genome position (GRCh38, 1-based): chr19:54,806,042, C>A. VCF-style: chr19-54806042-C-A. GRCh37 (hg19) VCF-style: chr19-55317497-C-A.
Other names: c.453C>A, p.Ser151= (NM_001080772.2).
Identifiers: ClinVar variation 2650475 (VCV002650475.24), dbSNP rs113248048, ClinGen allele CA309908294.

ClinVar aggregate classification (germline): Likely benign (1 of 4 stars; one submission).

Allele frequency attached by ClinVar (database versions not stated): gnomAD exomes below 0.00001.

Submission:

CeGaT Center for Human Genetics Tuebingen
Classification: Likely benign. Last evaluated: 2023-08-01. Review status: criteria provided, single submitter. Criteria: CeGaT Center For Human Genetics Tuebingen Variant Classification Criteria Version 2. Collection method: clinical testing. Allele origin: germline. Affected: yes. Observed: 2 variant alleles.
Comment: KIR2DL4: BP4, BP7